The following is an entry in ClinVar:

ClinVar aggregate classification (germline): Uncertain significance (1 of 4 stars; one submission).

Conditions:
Autosomal dominant nocturnal frontal lobe epilepsy 5. Also called: CILIARY DYSKINESIA, PRIMARY, 28, WITH SITUS INVERSUS; CILIARY DYSKINESIA, PRIMARY, 28, WITHOUT SITUS INVERSUS; KCNT1-Related Epilepsy; Epilepsy, nocturnal frontal lobe, 5. Identifiers: Orphanet 98784, MedGen C3554306, MONDO:0014002, OMIM 615005.
Developmental and epileptic encephalopathy, 14 (DEE14). Also called: Early infantile epileptic encephalopathy 14. Identifiers: Orphanet 293181, MedGen C3554195, MONDO:0013989, OMIM 614959.

Submission:

Labcorp Genetics (formerly Invitae), Labcorp
Classification: Uncertain significance for Autosomal dominant nocturnal frontal lobe epilepsy 5; Developmental and epileptic encephalopathy, 14. Last evaluated: 2022-05-15. Review status: criteria provided, single submitter. Criteria: Invitae Variant Classification Sherloc (09022015). Collection method: clinical testing. Allele origin: germline.
Comment: This variant is not present in population databases (gnomAD no frequency). This variant results in the deletion of part of exon 1 (c.110_110+24delins31) of the KCNT1 gene. It is expected to disrupt RNA splicing. Variants that disrupt the donor or acceptor splice site typically lead to a loss of protein function (PMID: 16199547), however the current clinical and genetic evidence is not sufficient to establish whether loss-of-function variants in KCNT1 cause disease. In summary, the available evidence is currently insufficient to determine the role of this variant in disease. Therefore, it has been classified as a Variant of Uncertain Significance. This variant has not been reported in the literature in individuals affected with KCNT1-related conditions.

Literature cited by the submitters: PubMed 16199547.

NM_020822.3(KCNT1):c.110_110+24delinsTTGACGACGGCCCCATTGACGACGGCCAATG

Gene: KCNT1 (potassium sodium-activated channel subfamily T member 1; plus strand). Cytogenetic location: 9q34.3.
Variant type: Indel.
Coding change: c.110_110+24delinsTTGACGACGGCCCCATTGACGACGGCCAATG on transcript NM_020822.3 (MANE Select); coding-DNA position 110 through 24 bases into the intron after coding-DNA position 110, the reference bases replaced by an inserted sequence.
Molecular consequence: splice donor variant.
Genome position (GRCh38, 1-based): chr9:135,702,368-135,702,392, 25 bases replaced. GRCh37 (hg19): chr9:138,594,214-138,594,238.
Other names: c.110_110+24delinsTTGACGACGGCCCCATTGACGACGGCCAATG (NM_001272003.2).
Identifiers: ClinVar variation 1994864 (VCV001994864.4), dbSNP rs2490551436, ClinGen allele CA2580080055.